The following is an entry in ClinVar:

NM_007118.4(TRIO):c.4023C>T (p.Phe1341=)

Gene: TRIO (trio Rho guanine nucleotide exchange factor; plus strand). Cytogenetic location: 5p15.2.
Variant type: single nucleotide variant.
Coding change: c.4023C>T on transcript NM_007118.4 (MANE Select); coding-DNA position 4023, C replaced by T.
Protein change: p.Phe1341=; no amino-acid change (phenylalanine 1341 retained).
Molecular consequence: synonymous variant. On other transcripts: non-coding transcript variant (1).
Genome position (GRCh38, 1-based): chr5:14,389,363, C>T. VCF-style: chr5-14389363-C-T. GRCh37 (hg19) VCF-style: chr5-14389472-C-T.
Identifiers: ClinVar variation 5039010 (VCV005039010.1).

ClinVar aggregate classification (germline): Likely benign (1 of 4 stars; one submission).

gnomAD v4.1: 25 of 1,610,736 alleles (0.0016%); highest among the groups gnomAD compares: East Asian, 0.0067%; no homozygotes.

Submission:

CeGaT Center for Human Genetics Tuebingen
Classification: Likely benign. Last evaluated: 2026-08-01. Review status: criteria provided, single submitter. Criteria: CeGaT Center For Human Genetics Tuebingen Variant Classification Criteria Version 2. Collection method: clinical testing. Allele origin: germline. Affected: yes. Observed: 1 variant allele.
Comment: TRIO: BP4, BP7